The following is an entry in ClinVar:

NM_003482.4(KMT2D):c.15785-11del

Gene: KMT2D (lysine methyltransferase 2D; minus strand). Cytogenetic location: 12q13.12.
Variant type: Deletion.
Coding change: c.15785-11del on transcript NM_003482.4 (MANE Select); 11 bases into the intron before coding-DNA position 15785, one base deleted (C; older notation c.15785-11delC).
Molecular consequence: intron variant.
Genome position (GRCh38, 1-based): chr12:49,024,957, G deleted on the plus strand (C on the coding strand, the reverse complement: KMT2D is on the minus strand); the first of 3 consecutive G bases (chr12:49,024,957-49,024,959); deleting any one gives the same sequence. VCF-style (leftmost placement, unchanged base first): chr12-49024956-AG-A. GRCh37 (hg19) VCF-style: chr12-49418739-AG-A.
Identifiers: ClinVar variation 2662930 (VCV002662930.5), dbSNP rs766361881, ClinGen allele CA6545490.

ClinVar aggregate classification (germline): Conflicting classifications of pathogenicity. Review status: criteria provided, conflicting classifications (1 of 4 stars). 3 submissions from 3 submitters: Uncertain significance (1); Likely benign (2). Last evaluated 2025-01-30.

Conditions:
Kabuki syndrome 1 (KABUK1). Also called: KMT2D-Related Kabuki Syndrome. Identifiers: Orphanet 2322, MedGen CN030661, MONDO:0007843, OMIM 147920.
Choanal atresia-athelia-hypothyroidism-delayed puberty-short stature syndrome (BCAHH). Also called: BRANCHIAL ARCH ABNORMALITIES, CHOANAL ATRESIA, ATHELIA, HEARING LOSS, AND HYPOTHYROIDISM SYNDROME. Identifiers: Orphanet 589856, MedGen C5680310, MONDO:0035651, OMIM 620186.
Kabuki syndrome. Also called: NIIKAWA-KUROKI SYNDROME; Kabuki make-up syndrome. Identifiers: Orphanet 2322, MedGen C0796004, MONDO:0016512.

Submissions (3):

Labcorp Genetics (formerly Invitae), Labcorp
Classification: Likely benign for Kabuki syndrome. Last evaluated: 2025-01-30. Review status: criteria provided, single submitter. Criteria: Invitae Variant Classification Sherloc (09022015). Collection method: clinical testing. Allele origin: germline.

Fulgent Genetics
Classification: Uncertain significance for Kabuki syndrome 1; Choanal atresia-athelia-hypothyroidism-delayed puberty-short stature syndrome. Last evaluated: 2023-12-21. Review status: criteria provided, single submitter. Criteria: ACMG Guidelines, 2015. Collection method: clinical testing. Allele origin: germline.

GeneDx
Classification: Likely benign. Last evaluated: 2023-10-20. Review status: criteria provided, single submitter. Criteria: GeneDx Variant Classification Process June 2021. Collection method: clinical testing. Allele origin: germline. Affected: yes.
Comment: See Variant Classification Assertion Criteria.